The following is an entry in ClinVar:

NM_019066.5(MAGEL2):c.3124C>T (p.Gln1042Ter)

Gene: MAGEL2 (MAGE family member L2; minus strand). Cytogenetic location: 15q11.2.
Variant type: single nucleotide variant.
Coding change: c.3124C>T on transcript NM_019066.5 (MANE Select); coding-DNA position 3124, C replaced by T.
Protein change: p.Gln1042Ter; replaces glutamine 1042 with a stop codon.
Molecular consequence: nonsense.
Genome position (GRCh38, 1-based): chr15:23,644,619, G>A on the plus strand (C>T on the coding strand, the complement: MAGEL2 is on the minus strand). VCF-style: chr15-23644619-G-A. GRCh37 (hg19) VCF-style: chr15-23889766-G-A.
Other names: Q1024*; short protein forms Q1042*.
Identifiers: ClinVar variation 89003 (VCV000089003.4), dbSNP rs398122418, ClinGen allele CA250280.

ClinVar aggregate classification (germline): Pathogenic. Review status: criteria provided, multiple submitters, no conflicts (2 of 4 stars). 3 submissions from 3 submitters: Pathogenic (2). 1 of the submissions does not count toward it. Last evaluated 2023-04-20.

Conditions:
Schaaf-Yang syndrome (SHFYNG). Also called: MAGEL2-related Prader-Willi-like syndrome; Arthrogryposis, distal, with hypopituitarism, intellectual disability, and facial anomalies. Identifiers: Orphanet 398069, MedGen C5575066, MONDO:0014243, OMIM 615547.

Submissions (3):

GeneDx
Classification: Pathogenic. Last evaluated: 2023-04-20. Review status: criteria provided, single submitter. Criteria: GeneDx Variant Classification Process June 2021. Collection method: clinical testing. Allele origin: germline. Affected: yes.
Comment: Please note, this variant is referred to as p.Gln1024* in this publication (Schaaf et al., 2013), which may be a typographic error; Not observed at significant frequency in large population cohorts (gnomAD); Nonsense variant predicted to result in protein truncation, as the last 208 amino acids are lost, and other loss-of-function variants have been reported downstream in HGMD; This variant is associated with the following publications: (PMID: 24076603, 26633545, 24661356)

Baylor Genetics
Classification: Pathogenic for Prader-Willi-like syndrome. Last evaluated: 2013-10-04. Review status: criteria provided, single submitter. Criteria: Yang et al. 2013. Collection method: clinical testing. Allele origin: de novo. Inheritance: Other. Affected: yes. Observed: 1 variant allele, 1 heterozygote. Study: Adult_WES.

OMIM
Classification: Pathogenic for SCHAAF-YANG SYNDROME. Last evaluated: 2013-11-01. Review status: no assertion criteria provided. Collection method: literature only. Allele origin: germline. Not counted in ClinVar's aggregate classification.

Literature cited by the submitters: PubMed 26633545 (cited by Baylor Genetics); PubMed 24076603 (cited by OMIM).